The following is an entry in ClinVar:

ClinVar aggregate classification (germline): Uncertain significance. Review status: criteria provided, multiple submitters, no conflicts (2 of 4 stars). 8 submissions from 8 submitters: Uncertain significance (8). Last evaluated 2026-05-22.

Conditions:
MYH7-related disorder. Also called: MYH7-related condition; MYH7-related disease; MYH7-related disorders.
Cardiovascular phenotype. Identifiers: MedGen CN230736.
Cardiomyopathy (CMYO). Also called: Cardiomyopathies. Identifiers: Orphanet 167848, MedGen C0878544, MONDO:0004994, HP:0001638. Inheritance: Various modes of inheritance.
Hypertrophic cardiomyopathy. Also called: HYPERTROPHIC MYOCARDIOPATHY. Identifiers: Orphanet 217569, MedGen C0007194, MeSH D002312, MONDO:0005045, HP:0001639.

Allele frequency attached by ClinVar (database versions not stated): ExAC 0.00002; gnomAD exomes 0.00002; gnomAD 0.00003 and 0.00004; TOPMed 0.00004.
gnomAD v4.1: 37 of 1,613,874 alleles (0.0023%); highest among the groups gnomAD compares: East Asian, 0.016%; no homozygotes.

Submissions (8):

PreventionGenetics, part of Exact Sciences
Classification: Uncertain significance for MYH7-related condition. Last evaluated: 2026-05-22. Review status: criteria provided, single submitter. Criteria: ACMG Guidelines, 2015. Collection method: clinical testing. Allele origin: germline.
Comment: The MYH7 c.4721G>A variant is predicted to result in the amino acid substitution p.Arg1574Gln. This variant has been reported as a variant of uncertain significance in individuals with hypertrophic or dilated cardiomyopathy (Supplementary Table, Chida et al. 2017. PubMed ID: 27885498; Table S9, McGurk et al. 2023. PubMed ID: 37652022). This variant is reported in 0.0098% of alleles in individuals of South Asian descent in gnomAD. At this time, the clinical significance of this variant is uncertain due to the absence of conclusive functional and genetic evidence.

Labcorp Genetics (formerly Invitae), Labcorp
Classification: Uncertain significance for Hypertrophic cardiomyopathy. Last evaluated: 2024-10-24. Review status: criteria provided, single submitter. Criteria: Invitae Variant Classification Sherloc (09022015). Collection method: clinical testing. Allele origin: germline.
Comment: This sequence change replaces arginine, which is basic and polar, with glutamine, which is neutral and polar, at codon 1574 of the MYH7 protein (p.Arg1574Gln). This variant is present in population databases (rs779715863, gnomAD 0.01%). This missense change has been observed in individual(s) with hypertrophic and dilated cardiomyopathy (PMID: 27885498, 31983221, 37652022). ClinVar contains an entry for this variant (Variation ID: 228912). Invitae Evidence Modeling of protein sequence and biophysical properties (such as structural, functional, and spatial information, amino acid conservation, physicochemical variation, residue mobility, and thermodynamic stability) indicates that this missense variant is expected to disrupt MYH7 protein function with a positive predictive value of 95%. In summary, the available evidence is currently insufficient to determine the role of this variant in disease. Therefore, it has been classified as a Variant of Uncertain Significance.

All of Us Research Program, National Institutes of Health
Classification: Uncertain significance for Cardiomyopathy. Last evaluated: 2024-09-23. Review status: criteria provided, single submitter. Criteria: ACMG Guidelines, 2015. Collection method: clinical testing. Allele origin: germline. Inheritance: Autosomal dominant inheritance. Observed: 7 variant alleles, 7 heterozygotes.
Comment: This missense variant replaces arginine with glutamine at codon 1574 of the MYH7 protein. Computational prediction suggests that this variant may have deleterious impact on protein structure and function (internally defined REVEL score threshold >= 0.7, PMID: 27666373). To our knowledge, functional studies have not been reported for this variant. This variant has been reported in an individual affected with hypertrophic cardiomyopathy (PMID: 27885498) and in an individual affected with dilated cardiomyopathy (PMID: 31983221). This variant has been identified in 5/251410 chromosomes in the general population by the Genome Aggregation Database (gnomAD). The available evidence is insufficient to determine the role of this variant in disease conclusively. Therefore, this variant is classified as a Variant of Uncertain Significance.

This study involves interpretation of variants in research participants for the purpose of population health screening. Participant phenotype was not available at the time of variant classification. Additional details can be found in publication PMID: 35346344, PMCID: PMC8962531

Blueprint Genetics
Classification: Uncertain significance. Last evaluated: 2024-06-05. Review status: criteria provided, single submitter. Criteria: ACMG Guidelines, 2015. Collection method: clinical testing. Allele origin: germline.

Color Diagnostics, LLC DBA Color Health
Classification: Uncertain significance for Cardiomyopathy. Last evaluated: 2024-03-11. Review status: criteria provided, single submitter. Criteria: ACMG Guidelines, 2015. Collection method: clinical testing. Allele origin: germline.
Comment: This missense variant replaces arginine with glutamine at codon 1574 of the MYH7 protein. Computational prediction tools indicate that this variant has a deleterious impact on protein structure and function. To our knowledge, functional studies have not been reported for this variant. This variant has been reported in one individual affected with hypertrophic cardiomyopathy (PMID: 27885498) and in one individual affected with dilated cardiomyopathy (PMID: 31983221). This variant has been identified in 5/251410 chromosomes in the general population by the Genome Aggregation Database (gnomAD). The available evidence is insufficient to determine the role of this variant in disease conclusively. Therefore, this variant is classified as a Variant of Uncertain Significance.

Ambry Genetics
Classification: Uncertain significance for Cardiovascular phenotype. Last evaluated: 2021-11-09. Review status: criteria provided, single submitter. Criteria: Ambry Variant Classification Scheme 2023. Collection method: clinical testing. Allele origin: germline.
Comment: The p.R1574Q variant (also known as c.4721G>A), located in coding exon 32 of the MYH7 gene, results from a G to A substitution at nucleotide position 4721. The arginine at codon 1574 is replaced by glutamine, an amino acid with highly similar properties. This variant has been detected in an individual from a hypertrophic cardiomyopathy cohort (Chida A et al. Heart Vessels, 2017 Jun;32:700-707). This amino acid position is highly conserved in available vertebrate species. In addition, the in silico prediction for this alteration is inconclusive. Since supporting evidence is limited at this time, the clinical significance of this alteration remains unclear.

Revvity Omics, Revvity
Classification: Uncertain significance. Last evaluated: 2021-03-22. Review status: criteria provided, single submitter. Criteria: ACMG Guidelines, 2015. Collection method: clinical testing. Allele origin: germline.

Laboratory for Molecular Medicine, Mass General Brigham Personalized Medicine
Classification: Uncertain significance. Last evaluated: 2015-05-14. Review status: criteria provided, single submitter. Criteria: LMM Criteria. Collection method: clinical testing. Allele origin: germline. Observed: 1 variant allele.
Comment: The p.Arg1574Gln variant in MYH7 has not been previously reported in individuals with cardiomyopathy, but has been identified in 2/66704 European chromosomes by the Exome Aggregation Consortium (ExAC). Comput ational prediction tools and conservation analysis suggest that the p.Arg1574Gln variant may impact the protein, though this information is not predictive enoug h to determine pathogenicity. In summary, the clinical significance of the p.Arg 1574Gln variant is uncertain.

Literature cited by the submitters: PubMed 27885498 (cited by 4 submitters); PubMed 31983221 (cited by 3 submitters); PubMed 37652022 (cited by Labcorp Genetics (formerly Invitae), Labcorp).

NM_000257.4(MYH7):c.4721G>A (p.Arg1574Gln)

Genes: MHRT (myosin heavy chain associated RNA transcript; plus strand), MYH7 (myosin heavy chain 7; minus strand), LOC126861897 (BRD4-independent group 4 enhancer GRCh37_chr14:23884455-23885654; plus strand). Cytogenetic location: 14q11.2.
Variant type: single nucleotide variant.
Coding change: c.4721G>A on transcript NM_000257.4 (MANE Select); coding-DNA position 4721, G replaced by A.
Protein change: p.Arg1574Gln; replaces arginine 1574 with glutamine.
Molecular consequence: missense variant. On other transcripts: non-coding transcript variant (1).
Genome position (GRCh38, 1-based): chr14:23,416,236, C>T on the plus strand (G>A on the coding strand, the complement: MYH7 is on the minus strand). VCF-style: chr14-23416236-C-T. GRCh37 (hg19) VCF-style: chr14-23885445-C-T.
Other names: short protein forms R1574Q.
Identifiers: ClinVar variation 228912 (VCV000228912.24), dbSNP rs779715863, ClinGen allele CA043706.